The following is an entry in ClinVar:

GRCh38/hg38 1q41(chr1:218321722-218961624)x1

Genes: LINC01710 (long intergenic non-protein coding RNA 1710; minus strand), LINC02869 (long intergenic non-protein coding RNA 2869; plus strand), RRP15 (ribosomal RNA processing 15 homolog; plus strand), TGFB2 (transforming growth factor beta 2; plus strand), TGFB2-AS1 (TGFB2 antisense RNA 1 (head to head); minus strand) and 6 more. Cytogenetic location: 1q41.
Variant type: copy number loss.
Change: copy number 1 (one copy instead of two) of chr1:218,321,722-218,961,624 (639.9 kb, GRCh38 coordinates, 1-based), cytogenetic band 1q41.
Identifiers: ClinVar variation 57198 (VCV000057198.1).

ClinVar aggregate classification (germline): Uncertain significance (1 of 4 stars; one submission).

Submission:

ISCA site 4
Classification: Uncertain significance. Last evaluated: 2011-08-12. Review status: criteria provided, single submitter. Criteria: Kaminsky et al. (Genet Med. 2011). Collection method: clinical testing. Allele origin: maternal. Affected: yes. Observed: 1 variant allele.
Comment: Copy number variation identified through the course of routine clinical cytogenomic testing in postnatal populations. Clinical assertions have been curated as described in Kaminsky et al. 2011.